The following is an entry in ClinVar:

ClinVar aggregate classification (germline): Uncertain significance (1 of 4 stars; one submission).

gnomAD v4.1: 5 of 1,611,106 alleles (0.00031%); highest among the groups gnomAD compares: Non-Finnish European, 0.00042%; no homozygotes.

Submission:

CeGaT Center for Human Genetics Tuebingen
Classification: Uncertain significance. Last evaluated: 2022-05-01. Review status: criteria provided, single submitter. Criteria: CeGaT Center For Human Genetics Tuebingen Variant Classification Criteria Version 2. Collection method: clinical testing. Allele origin: germline. Affected: yes. Observed: 1 variant allele.
Comment: LAMC3: PM2, BP4

NM_006059.4(LAMC3):c.1166G>C (p.Gly389Ala)

Gene: LAMC3 (laminin subunit gamma 3; plus strand). Cytogenetic location: 9q34.12.
Variant type: single nucleotide variant.
Coding change: c.1166G>C on transcript NM_006059.4 (MANE Select); coding-DNA position 1166, G replaced by C.
Protein change: p.Gly389Ala; replaces glycine 389 with alanine.
Molecular consequence: missense variant.
Genome position (GRCh38, 1-based): chr9:131,039,131, G>C. VCF-style: chr9-131039131-G-C. GRCh37 (hg19) VCF-style: chr9-133914518-G-C.
Other names: short protein forms G389A.
Identifiers: ClinVar variation 2659622 (VCV002659622.24), dbSNP rs778486862, ClinGen allele CA200689148.
Genomic context (GRCh38, chr9:131,039,131, plus strand): 5'-CCCAGCCTCCGACCCTCTCCCTTTCCTGGCCTCAATTGCCCTGTGCCCTTCCTCTCCCAG[G>C]CTCCCTACACCTCCAGTGCGATGACACAGGCACCTGCGCCTGCAAGCCCACGGTGACTGG-3'
Protein context (NP_006050.3, residues 379-399): PCQPCDCQSA[Gly389Ala]SLHLQCDDTG